The following is an entry in ClinVar:

ClinVar aggregate classification (germline): Uncertain significance (1 of 4 stars; one submission).

gnomAD v4.1: 4 of 1,614,016 alleles (0.00025%); highest among the groups gnomAD compares: South Asian, 0.0011%; no homozygotes.

Submission:

CeGaT Center for Human Genetics Tuebingen
Classification: Uncertain significance. Last evaluated: 2025-06-01. Review status: criteria provided, single submitter. Criteria: CeGaT Center For Human Genetics Tuebingen Variant Classification Criteria Version 2. Collection method: clinical testing. Allele origin: germline. Affected: yes. Observed: 1 variant allele.
Comment: TG: PM2, BP4

NM_003235.5(TG):c.1031A>G (p.Lys344Arg)

Gene: TG (thyroglobulin; plus strand). Cytogenetic location: 8q24.22.
Variant type: single nucleotide variant.
Coding change: c.1031A>G on transcript NM_003235.5 (MANE Select); coding-DNA position 1031, A replaced by G.
Protein change: p.Lys344Arg; replaces lysine 344 with arginine.
Molecular consequence: missense variant.
Genome position (GRCh38, 1-based): chr8:132,882,955, A>G. VCF-style: chr8-132882955-A-G. GRCh37 (hg19) VCF-style: chr8-133895200-A-G.
Other names: short protein forms K344R.
Identifiers: ClinVar variation 4085115 (VCV004085115.8).